The following is an entry in ClinVar:

ClinVar aggregate classification (germline): Likely benign (1 of 4 stars; one submission).

Allele frequency attached by ClinVar (database versions not stated): gnomAD 0.00001; gnomAD exomes 0.00001; TOPMed 0.00002.
gnomAD v4.1: 16 of 1,601,608 alleles (0.001%); highest among the groups gnomAD compares: Non-Finnish European, 0.0014%; no homozygotes.

Submission:

CeGaT Center for Human Genetics Tuebingen
Classification: Likely benign. Last evaluated: 2022-07-01. Review status: criteria provided, single submitter. Criteria: CeGaT Center For Human Genetics Tuebingen Variant Classification Criteria Version 2. Collection method: clinical testing. Allele origin: germline. Affected: yes. Observed: 1 variant allele.
Comment: UBE3B: BP4, BP7

NM_130466.4(UBE3B):c.30A>G (p.Ala10=)

Gene: UBE3B (ubiquitin protein ligase E3B; plus strand). Cytogenetic location: 12q24.11.
Variant type: single nucleotide variant.
Coding change: c.30A>G on transcript NM_130466.4 (MANE Select); coding-DNA position 30, A replaced by G.
Protein change: p.Ala10=; no amino-acid change (alanine 10 retained).
Molecular consequence: synonymous variant.
Genome position (GRCh38, 1-based): chr12:109,483,581, A>G. VCF-style: chr12-109483581-A-G. GRCh37 (hg19) VCF-style: chr12-109921386-A-G.
Other names: c.30A>G, p.Ala10= (NM_001270449.2, NM_001270450.2, NM_001270451.2 and 1 more transcripts).
Identifiers: ClinVar variation 2643271 (VCV002643271.24), dbSNP rs1043652436, ClinGen allele CA243419427.
Genomic context (GRCh38, chr12:109,483,581, plus strand): 5'-TTCCTTGCAGGGTTTGTGCAAGTTTGCAAACATGTTCACCCTGTCTCAGACCTCGAGAGC[A>G]TGGTTCATCGATAGAGCCCGTCAGGCACGAGAAGAAAGGCTTGTGCAGAAGGAACGGGAG-3'
Protein context (NP_569733.2, residues 1-20): MFTLSQTSR[Ala10=]WFIDRARQAR